The following is an entry in ClinVar:

NM_001134382.3(IQSEC1):c.49G>C (p.Glu17Gln)

Gene: IQSEC1 (IQ motif and Sec7 domain ArfGEF 1; minus strand). Cytogenetic location: 3p25.2.
Variant type: single nucleotide variant.
Coding change: c.49G>C on transcript NM_001134382.3 (MANE Select); coding-DNA position 49, G replaced by C.
Protein change: p.Glu17Gln; replaces glutamic acid 17 with glutamine.
Molecular consequence: missense variant. On other transcripts: 5 prime UTR variant (1).
Genome position (GRCh38, 1-based): chr3:12,941,840, C>G on the plus strand (G>C on the coding strand, the complement: IQSEC1 is on the minus strand). VCF-style: chr3-12941840-C-G. GRCh37 (hg19) VCF-style: chr3-12983340-C-G.
Other names: c.-276G>C (NM_001330619.3); c.373G>C, p.Glu125Gln (NM_001376938.2); c.91G>C, p.Glu31Gln (NM_014869.8); short protein forms E125Q, E17Q, E31Q.
Identifiers: ClinVar variation 4885390 (VCV004885390.2).

ClinVar aggregate classification (germline): Uncertain significance (1 of 4 stars; one submission).

Submission:

Dasa
Classification: Uncertain significance. Last evaluated: 2025-05-30. Review status: criteria provided, single submitter. Criteria: DASA Assertion Criteria. Collection method: clinical testing. Allele origin: germline.
Comment: NM_001134382.3(IQSEC1):c.49G>C (p.Glu17Gln) is a missense variant that results in the substitution of glutamic acid with glutamine. This variant is absent from population databases. Computational prediction algorithms are consistent with a benign effect. The currently available literature and clinical evidence are not sufficient to establish a definitive association between this variant and the reported condition. Therefore, this variant is classified as a variant of uncertain significance.